The following is an entry in ClinVar:

ClinVar aggregate classification (germline): Conflicting classifications of pathogenicity. Review status: criteria provided, conflicting classifications (1 of 4 stars). 6 submissions from 6 submitters: Uncertain significance (1); Benign (1); Likely benign (3). 1 of the submissions does not count toward it. Last evaluated 2025-10-13.

Conditions:
Ehlers-Danlos syndrome (EDS). Identifiers: Orphanet 98249, MedGen C0013720, MONDO:0020066.
FBN2-related disorder. Also called: FBN2-related condition.
Congenital contractural arachnodactyly (CCA). Also called: Arthrogryposis, distal, type 9; BEALS SYNDROME; Beals-Hecht syndrome. Identifiers: Orphanet 115, MedGen C0220668, MONDO:0007363, OMIM 121050.

Allele frequency attached by ClinVar (database versions not stated): TOPMed 0.00014.
gnomAD v4.1: 154 of 1,613,766 alleles (0.0095%); highest among the groups gnomAD compares: Non-Finnish European, 0.012%; 1 homozygote.

Submissions (6):

Labcorp Genetics (formerly Invitae), Labcorp
Classification: Likely benign for Congenital contractural arachnodactyly. Last evaluated: 2025-10-13. Review status: criteria provided, single submitter. Criteria: Invitae Variant Classification Sherloc (09022015). Collection method: clinical testing. Allele origin: germline.

Blueprint Genetics
Classification: Likely benign. Last evaluated: 2024-10-22. Review status: criteria provided, single submitter. Criteria: ACMG Guidelines, 2015. Collection method: clinical testing. Allele origin: germline.

ARUP Laboratories, Molecular Genetics and Genomics, ARUP Laboratories
Classification: Likely benign. Last evaluated: 2024-10-08. Review status: criteria provided, single submitter. Criteria: ARUP Molecular Germline Variant Investigation Process 2024. Collection method: clinical testing. Allele origin: germline.

Genome Diagnostics Laboratory, The Hospital for Sick Children
Classification: Uncertain significance for Ehlers-Danlos syndrome. Last evaluated: 2019-04-01. Review status: criteria provided, single submitter. Criteria: ACMG Guidelines, 2015. Collection method: clinical testing. Allele origin: germline.

GeneDx
Classification: Benign. Last evaluated: 2016-01-15. Review status: criteria provided, single submitter. Criteria: GeneDx Variant Classification (06012015). Collection method: clinical testing. Allele origin: germline. Affected: yes.
Comment: This variant is considered likely benign or benign based on one or more of the following criteria: it is a conservative change, it occurs at a poorly conserved position in the protein, it is predicted to be benign by multiple in silico algorithms, and/or has population frequency not consistent with disease.

PreventionGenetics, part of Exact Sciences
Classification: Likely benign for FBN2-related condition. Last evaluated: 2019-10-21. Review status: no assertion criteria provided. Collection method: clinical testing. Allele origin: germline. Not counted in ClinVar's aggregate classification.
Comment: This variant is classified as likely benign based on ACMG/AMP sequence variant interpretation guidelines (Richards et al. 2015 PMID: 25741868, with internal and published modifications).

NM_001999.4(FBN2):c.3848-10G>A

Gene: FBN2 (fibrillin 2; minus strand). Cytogenetic location: 5q23.3.
Variant type: single nucleotide variant.
Coding change: c.3848-10G>A on transcript NM_001999.4 (MANE Select); 10 bases into the intron before coding-DNA position 3848, G replaced by A.
Molecular consequence: intron variant.
Genome position (GRCh38, 1-based): chr5:128,335,305, C>T on the plus strand (G>A on the coding strand, the complement: FBN2 is on the minus strand). VCF-style: chr5-128335305-C-T. GRCh37 (hg19) VCF-style: chr5-127670997-C-T.
Identifiers: ClinVar variation 377867 (VCV000377867.19), dbSNP rs140017238, ClinGen allele CA3395113.